The following is an entry in ClinVar:

ClinVar aggregate classification (germline): Uncertain significance. Review status: criteria provided, multiple submitters, no conflicts (2 of 4 stars). 2 submissions from 2 submitters: Uncertain significance (2). Last evaluated 2025-10-28.

Allele frequency attached by ClinVar (database versions not stated): gnomAD exomes below 0.00001.

Submissions (2):

Ambry Genetics
Classification: Uncertain significance. Last evaluated: 2025-10-28. Review status: criteria provided, single submitter. Criteria: Ambry Variant Classification Scheme 2023. Collection method: clinical testing. Allele origin: germline.

Labcorp Genetics (formerly Invitae), Labcorp
Classification: Uncertain significance. Last evaluated: 2022-05-30. Review status: criteria provided, single submitter. Criteria: Invitae Variant Classification Sherloc (09022015). Collection method: clinical testing. Allele origin: germline.
Comment: This sequence change replaces methionine, which is neutral and non-polar, with valine, which is neutral and non-polar, at codon 198 of the ADGRA3 protein (p.Met198Val). This variant is not present in population databases (gnomAD no frequency). This variant has not been reported in the literature in individuals affected with ADGRA3-related conditions. Algorithms developed to predict the effect of missense changes on protein structure and function are either unavailable or do not agree on the potential impact of this missense change (SIFT: "Deleterious"; PolyPhen-2: "Benign"; Align-GVGD: "Class C0"). Algorithms developed to predict the effect of sequence changes on RNA splicing suggest that this variant may disrupt the consensus splice site. In summary, the available evidence is currently insufficient to determine the role of this variant in disease. Therefore, it has been classified as a Variant of Uncertain Significance.

NM_145290.4(ADGRA3):c.592A>G (p.Met198Val)

Gene: ADGRA3 (adhesion G protein-coupled receptor A3; minus strand). Cytogenetic location: 4p15.2.
Variant type: single nucleotide variant.
Coding change: c.592A>G on transcript NM_145290.4 (MANE Select); coding-DNA position 592, A replaced by G.
Protein change: p.Met198Val; replaces methionine 198 with valine.
Molecular consequence: missense variant.
Genome position (GRCh38, 1-based): chr4:22,445,087, T>C on the plus strand (A>G on the coding strand, the complement: ADGRA3 is on the minus strand). VCF-style: chr4-22445087-T-C. GRCh37 (hg19) VCF-style: chr4-22446710-T-C.
Other names: c.592A>G (NM_145290.2); short protein forms M198V.
Identifiers: ClinVar variation 2001211 (VCV002001211.5), dbSNP rs1462380144, ClinGen allele CA356478480.